The following is an entry in ClinVar:

ClinVar aggregate classification (germline): Conflicting classifications of pathogenicity. Review status: criteria provided, conflicting classifications (1 of 4 stars). 4 submissions from 4 submitters: Uncertain significance (1); Benign (1); Likely benign (1). 1 of the submissions does not count toward it. Last evaluated 2026-01-26.

Conditions:
MGP-related disorder. Also called: MGP-related condition.
Keutel syndrome (KTLS). Identifiers: Orphanet 85202, MedGen C1855607, MONDO:0009495, OMIM 245150.

Allele frequency attached by ClinVar (database versions not stated): ESP Exome Variant Server 0.00023; gnomAD 0.00024 and 0.00027; ExAC 0.00025; gnomAD exomes 0.00025; TOPMed 0.00031; 1000 Genomes Project 30x 0.00094; 1000 Genomes Project 0.00100.
gnomAD v4.1: 181 of 1,614,078 alleles (0.011%); highest among the groups gnomAD compares: Middle Eastern, 0.15%; no homozygotes.

Submissions (4):

Labcorp Genetics (formerly Invitae), Labcorp
Classification: Benign. Last evaluated: 2026-01-26. Review status: criteria provided, single submitter. Criteria: Invitae Variant Classification Sherloc (09022015). Collection method: clinical testing. Allele origin: germline.

Blueprint Genetics
Classification: Likely benign. Last evaluated: 2024-10-11. Review status: criteria provided, single submitter. Criteria: ACMG Guidelines, 2015. Collection method: clinical testing. Allele origin: germline.

Illumina Laboratory Services, Illumina
Classification: Uncertain significance for Keutel syndrome. Last evaluated: 2018-01-12. Review status: criteria provided, single submitter. Criteria: ICSL Variant Classification Criteria 13 December 2019. Collection method: clinical testing. Allele origin: germline.

PreventionGenetics, part of Exact Sciences
Classification: Likely benign for MGP-related condition. Last evaluated: 2019-05-23. Review status: no assertion criteria provided. Collection method: clinical testing. Allele origin: germline. Not counted in ClinVar's aggregate classification.
Comment: This variant is classified as likely benign based on ACMG/AMP sequence variant interpretation guidelines (Richards et al. 2015 PMID: 25741868, with internal and published modifications).

NM_000900.5(MGP):c.198C>T (p.His66=)

Gene: MGP (matrix Gla protein; minus strand). Cytogenetic location: 12p12.3.
Variant type: single nucleotide variant.
Coding change: c.198C>T on transcript NM_000900.5 (MANE Select); coding-DNA position 198, C replaced by T.
Protein change: p.His66=; no amino-acid change (histidine 66 retained).
Molecular consequence: synonymous variant.
Genome position (GRCh38, 1-based): chr12:14,882,253, G>A on the plus strand (C>T on the coding strand, the complement: MGP is on the minus strand). VCF-style: chr12-14882253-G-A. GRCh37 (hg19) VCF-style: chr12-15035187-G-A.
Other names: c.198C>T (NM_000900.4); c.273C>T, p.His91= (NM_001190839.3).
Identifiers: ClinVar variation 728682 (VCV000728682.17), dbSNP rs151158281, ClinGen allele CA6465146.